The following is an entry in ClinVar:

ClinVar aggregate classification (germline): Uncertain significance (1 of 4 stars; one submission).

Submission:

GeneDx
Classification: Uncertain significance. Last evaluated: 2024-12-20. Review status: criteria provided, single submitter. Criteria: GeneDx Variant Classification Process June 2021. Collection method: clinical testing. Allele origin: germline. Affected: yes.
Comment: Not observed at significant frequency in large population cohorts (gnomAD); In silico analysis supports that this missense variant has a deleterious effect on protein structure/function; Has not been previously published as pathogenic or benign to our knowledge

NM_001378414.1(HDAC4):c.1175A>G (p.His392Arg)

Gene: HDAC4 (histone deacetylase 4; minus strand). Cytogenetic location: 2q37.3.
Variant type: single nucleotide variant.
Coding change: c.1175A>G on transcript NM_001378414.1 (MANE Select); coding-DNA position 1175, A replaced by G.
Protein change: p.His392Arg; replaces histidine 392 with arginine.
Molecular consequence: missense variant.
Genome position (GRCh38, 1-based): chr2:239,134,364, T>C on the plus strand (A>G on the coding strand, the complement: HDAC4 is on the minus strand). VCF-style: chr2-239134364-T-C. GRCh37 (hg19) VCF-style: chr2-240056060-T-C.
Other names: c.1175A>G, p.His392Arg (NM_001378415.1, NM_001378416.1, NM_001378417.1 and 1 more transcripts); short protein forms H392R.
Identifiers: ClinVar variation 3906675 (VCV003906675.1).